The following is an entry in ClinVar:

ClinVar aggregate classification (germline): Uncertain significance. Review status: criteria provided, multiple submitters, no conflicts (2 of 4 stars). 2 submissions from 2 submitters: Uncertain significance (2). Last evaluated 2023-05-17.

Conditions:
Congenital myasthenic syndrome 11. Also called: MYASTHENIC SYNDROME, CONGENITAL, Ie; Myasthenic syndrome, congenital, 11, associated with acetylcholine receptor deficiency. Identifiers: Orphanet 590, MedGen C4225367, MONDO:0014588, OMIM 616326.
Fetal akinesia deformation sequence 1 (FADS1). Also called: Fetal akinesia sequence; Pena-Shokeir syndrome type I. Identifiers: Orphanet 994, MedGen C1276035, MONDO:0100101, OMIM 208150, HP:0001989.

Allele frequency attached by ClinVar (database versions not stated): gnomAD exomes 0.00001; ExAC 0.00002; gnomAD 0.00004; ESP Exome Variant Server 0.00008; TOPMed 0.00008.

Submissions (2):

Revvity Omics, Revvity
Classification: Uncertain significance. Last evaluated: 2023-05-17. Review status: criteria provided, single submitter. Criteria: ACMG Guidelines, 2015. Collection method: clinical testing. Allele origin: germline.

Labcorp Genetics (formerly Invitae), Labcorp
Classification: Uncertain significance for Congenital myasthenic syndrome 11; Fetal akinesia deformation sequence 1. Last evaluated: 2022-08-09. Review status: criteria provided, single submitter. Criteria: Invitae Variant Classification Sherloc (09022015). Collection method: clinical testing. Allele origin: germline.
Comment: This sequence change replaces aspartic acid, which is acidic and polar, with glutamic acid, which is acidic and polar, at codon 303 of the RAPSN protein (p.Asp303Glu). This variant is present in population databases (rs376607111, gnomAD 0.02%). This variant has not been reported in the literature in individuals affected with RAPSN-related conditions. Algorithms developed to predict the effect of missense changes on protein structure and function output the following: SIFT: "Tolerated"; PolyPhen-2: "Benign"; Align-GVGD: "Class C0". The glutamic acid amino acid residue is found in multiple mammalian species, which suggests that this missense change does not adversely affect protein function. In summary, the available evidence is currently insufficient to determine the role of this variant in disease. Therefore, it has been classified as a Variant of Uncertain Significance.

NM_005055.5(RAPSN):c.909C>G (p.Asp303Glu)

Gene: RAPSN (receptor associated protein of the synapse; minus strand). Cytogenetic location: 11p11.2.
Variant type: single nucleotide variant.
Coding change: c.909C>G on transcript NM_005055.5 (MANE Select); coding-DNA position 909, C replaced by G.
Protein change: p.Asp303Glu; replaces aspartic acid 303 with glutamic acid.
Molecular consequence: missense variant. On other transcripts: intron variant (1).
Genome position (GRCh38, 1-based): chr11:47,441,614, G>C on the plus strand (C>G on the coding strand, the complement: RAPSN is on the minus strand). VCF-style: chr11-47441614-G-C. GRCh37 (hg19) VCF-style: chr11-47463166-G-C.
Other names: c.909C>G (NM_005055.4); c.789+209C>G (NM_032645.5); short protein forms D303E.
Identifiers: ClinVar variation 2078869 (VCV002078869.4), dbSNP rs376607111, ClinGen allele CA5976593.
Genomic context (GRCh38, chr11:47,441,614, plus strand): 5'-GGCCCCAAGTGGGGAGTGCTGGGAGGGCTGGAGGCTGTGGGAAAGGCCCGACCTCACCTT[G>C]TCCAGCGCCTTCCTGGCCACCCAGCACTTGGCCACACCCAGCAGCGCCTGCACCTGCCCC-3'
Protein context (NP_005046.2, residues 293-313): AKCWVARKAL[Asp303Glu]KALDAIERAQ